The following is an entry in ClinVar:

NM_022455.5(NSD1):c.4777T>C (p.Cys1593Arg)

Gene: NSD1 (nuclear receptor binding SET domain protein 1; plus strand). Cytogenetic location: 5q35.3.
Variant type: single nucleotide variant.
Coding change: c.4777T>C on transcript NM_022455.5 (MANE Select); coding-DNA position 4777, T replaced by C.
Protein change: p.Cys1593Arg; replaces cysteine 1593 with arginine.
Molecular consequence: missense variant.
Genome position (GRCh38, 1-based): chr5:177,256,962, T>C. VCF-style: chr5-177256962-T-C. GRCh37 (hg19) VCF-style: chr5-176683963-T-C.
Other names: c.3904T>C, p.Cys1302Arg (NM_001365684.2, NM_001409308.1, NM_001409309.1 and 1 more transcripts); c.4777T>C, p.Cys1593Arg (NM_001409301.1, NM_001409302.1, NM_001409303.1); c.4357T>C, p.Cys1453Arg (NM_001409304.1); c.4024T>C, p.Cys1342Arg (NM_001409305.1); c.4015T>C, p.Cys1339Arg (NM_001409306.1, NM_001409307.1); short protein forms C1342R, C1453R, C1302R, C1339R, C1593R.
Identifiers: ClinVar variation 3661544 (VCV003661544.2).

ClinVar aggregate classification (germline): Uncertain significance (1 of 4 stars; one submission).

Submission:

Labcorp Genetics (formerly Invitae), Labcorp
Classification: Uncertain significance. Last evaluated: 2023-04-13. Review status: criteria provided, single submitter. Criteria: Invitae Variant Classification Sherloc (09022015). Collection method: clinical testing. Allele origin: germline.
Comment: This sequence change replaces cysteine, which is neutral and slightly polar, with arginine, which is basic and polar, at codon 1593 of the NSD1 protein (p.Cys1593Arg). This variant is not present in population databases (gnomAD no frequency). This variant has not been reported in the literature in individuals affected with NSD1-related conditions. Advanced modeling of protein sequence and biophysical properties (such as structural, functional, and spatial information, amino acid conservation, physicochemical variation, residue mobility, and thermodynamic stability) performed at Invitae indicates that this missense variant is expected to disrupt NSD1 protein function. This variant disrupts the p.Cys1593 amino acid residue in NSD1. Other variant(s) that disrupt this residue have been observed in individuals with NSD1-related conditions (PMID: 23190751, 25852445), which suggests that this may be a clinically significant amino acid residue. In summary, the available evidence is currently insufficient to determine the role of this variant in disease. Therefore, it has been classified as a Variant of Uncertain Significance.

Literature cited by the submitters: PubMed 23190751; PubMed 25852445.